The following is an entry in ClinVar:

NM_003072.5(SMARCA4):c.4594C>T (p.Leu1532=)

Gene: SMARCA4 (SWI/SNF related BAF chromatin remodeling complex subunit ATPase 4; plus strand). Cytogenetic location: 19p13.2.
Variant type: single nucleotide variant.
Coding change: c.4594C>T on transcript NM_003072.5 (MANE Select); coding-DNA position 4594, C replaced by T.
Protein change: p.Leu1532=; no amino-acid change (leucine 1532 retained).
Molecular consequence: synonymous variant. On other transcripts: non-coding transcript variant (1).
Genome position (GRCh38, 1-based): chr19:11,058,848, C>T. VCF-style: chr19-11058848-C-T. GRCh37 (hg19) VCF-style: chr19-11169524-C-T.
Other names: c.4594C>T, p.Leu1532= (NM_001128844.3); c.4504C>T, p.Leu1502= (NM_001128845.2); c.4501C>T, p.Leu1501= (NM_001128846.2); c.4495C>T, p.Leu1499= (NM_001128847.4, NM_001374457.1); c.4492C>T, p.Leu1498= (NM_001128848.2); c.4690C>T, p.Leu1564= (NM_001128849.3, NM_001387283.1); c.4690C>T (NM_001128849.1).
Identifiers: ClinVar variation 1635317 (VCV001635317.10), dbSNP rs778775484, ClinGen allele CA505494977.

ClinVar aggregate classification (germline): Conflicting classifications of pathogenicity. Review status: criteria provided, conflicting classifications (1 of 4 stars). 3 submissions from 3 submitters: Uncertain significance (1); Likely benign (2). Last evaluated 2025-12-10.

Conditions:
Hereditary cancer-predisposing syndrome. Also called: Neoplastic Syndromes, Hereditary; Tumor predisposition; Hereditary Cancer Syndrome; Hereditary neoplastic syndrome. Identifiers: Orphanet 140162, MedGen C0027672, MeSH D009386, MONDO:0015356.
Rhabdoid tumor predisposition syndrome 2 (RTPS2). Identifiers: Orphanet 231108, Orphanet 69077, MedGen C2750074, MONDO:0013224, OMIM 613325.

Allele frequency attached by ClinVar (database versions not stated): gnomAD exomes below 0.00001; gnomAD 0.00001.
gnomAD v4.1: 2 of 1,614,012 alleles (0.00012%); highest among the groups gnomAD compares: Non-Finnish European, 0.00017%; no homozygotes.

Submissions (3):

Labcorp Genetics (formerly Invitae), Labcorp
Classification: Likely benign for Rhabdoid tumor predisposition syndrome 2. Last evaluated: 2025-12-10. Review status: criteria provided, single submitter. Criteria: Invitae Variant Classification Sherloc (09022015). Collection method: clinical testing. Allele origin: germline.

Ambry Genetics
Classification: Likely benign for Hereditary cancer-predisposing syndrome. Last evaluated: 2025-01-28. Review status: criteria provided, single submitter. Criteria: Ambry Variant Classification Scheme 2023. Collection method: clinical testing. Allele origin: germline.

GeneDx
Classification: Uncertain significance. Last evaluated: 2024-01-21. Review status: criteria provided, single submitter. Criteria: GeneDx Variant Classification Process June 2021. Collection method: clinical testing. Allele origin: germline. Affected: yes.
Comment: In silico analysis supports that this variant does not alter splicing; Has not been previously published as pathogenic or benign to our knowledge